The following is an entry in ClinVar:

ClinVar aggregate classification (germline): Uncertain significance (1 of 4 stars; one submission).

Conditions:
Autosomal recessive distal spinal muscular atrophy 1. Also called: Spinal muscular atrophy with respiratory distress 1; HMN VI; NEURONOPATHY, DISTAL HEREDITARY MOTOR, HARDING TYPE VI; NEUROPATHY, DISTAL HEREDITARY MOTOR, AUTOSOMAL RECESSIVE 1; NEURONOPATHY, SEVERE INFANTILE AXONAL, WITH RESPIRATORY FAILURE; SEVERE INFANTILE AXONAL NEUROPATHY WITH RESPIRATORY FAILURE. Identifiers: Orphanet 98920, MedGen C1858517, MONDO:0011436, OMIM 604320.
Charcot-Marie-Tooth disease axonal type 2S. Also called: CHARCOT-MARIE-TOOTH DISEASE, AXONAL, AUTOSOMAL RECESSIVE, TYPE 2S; CHARCOT-MARIE-TOOTH NEUROPATHY, TYPE 2S. Identifiers: Orphanet 443073, MedGen C4015349, MONDO:0014511, OMIM 616155.

Allele frequency attached by ClinVar (database versions not stated): gnomAD 0.00001; TOPMed 0.00001.
gnomAD v4.1: 21 of 1,614,066 alleles (0.0013%); highest among the groups gnomAD compares: Middle Eastern, 0.016%; no homozygotes.

Submission:

Labcorp Genetics (formerly Invitae), Labcorp
Classification: Uncertain significance for Autosomal recessive distal spinal muscular atrophy 1; Charcot-Marie-Tooth disease axonal type 2S. Last evaluated: 2022-09-03. Review status: criteria provided, single submitter. Criteria: Invitae Variant Classification Sherloc (09022015). Collection method: clinical testing. Allele origin: germline.
Comment: This sequence change replaces glutamine, which is neutral and polar, with histidine, which is basic and polar, at codon 125 of the IGHMBP2 protein (p.Gln125His). This variant is present in population databases (no rsID available, gnomAD 0.003%). This variant has not been reported in the literature in individuals affected with IGHMBP2-related conditions. Advanced modeling of protein sequence and biophysical properties (such as structural, functional, and spatial information, amino acid conservation, physicochemical variation, residue mobility, and thermodynamic stability) performed at Invitae indicates that this missense variant is not expected to disrupt IGHMBP2 protein function. In summary, the available evidence is currently insufficient to determine the role of this variant in disease. Therefore, it has been classified as a Variant of Uncertain Significance.

NM_002180.3(IGHMBP2):c.375G>T (p.Gln125His)

Gene: IGHMBP2 (immunoglobulin mu DNA binding protein 2; plus strand). Cytogenetic location: 11q13.3.
Variant type: single nucleotide variant.
Coding change: c.375G>T on transcript NM_002180.3 (MANE Select); coding-DNA position 375, G replaced by T.
Protein change: p.Gln125His; replaces glutamine 125 with histidine.
Molecular consequence: missense variant.
Genome position (GRCh38, 1-based): chr11:68,908,263, G>T. VCF-style: chr11-68908263-G-T. GRCh37 (hg19) VCF-style: chr11-68675731-G-T.
Other names: short protein forms Q125H.
Identifiers: ClinVar variation 2030760 (VCV002030760.1), dbSNP rs1024451110, ClinGen allele CA223385735.